The following is an entry in ClinVar:

ClinVar aggregate classification (germline): Benign/Likely benign. Review status: criteria provided, multiple submitters, no conflicts (2 of 4 stars). 3 submissions from 3 submitters: Benign (2); Likely benign (1). Last evaluated 2024-10-02.

Conditions:
Pulmonary hypertension, primary, 1 (PPH1). Also called: Pulmonary hypertension, familial primary, 1, with or without HHT. Identifiers: Orphanet 422, MedGen C4552070, MONDO:0024533, OMIM 178600.
Primary pulmonary hypertension. Also called: Idiopathic pulmonary hypertension. Identifiers: MedGen C0152171.
Inborn genetic diseases. Identifiers: MedGen C0950123, MeSH D030342.

Allele frequency attached by ClinVar (database versions not stated): gnomAD exomes 0.00001 and 0.00002; TOPMed 0.00003; ExAC 0.00004; gnomAD 0.00004 and 0.00005; ESP Exome Variant Server 0.00008; 1000 Genomes Project 30x 0.00016; 1000 Genomes Project 0.00020.
gnomAD v4.1: 29 of 1,608,782 alleles (0.0018%); highest among the groups gnomAD compares: African/African-American, 0.008%; no homozygotes.

Submissions (3):

Ambry Genetics
Classification: Likely benign for Inborn genetic diseases. Last evaluated: 2024-10-02. Review status: criteria provided, single submitter. Criteria: Ambry Variant Classification Scheme 2023. Collection method: clinical testing. Allele origin: germline.

Labcorp Genetics (formerly Invitae), Labcorp
Classification: Benign for Primary pulmonary hypertension. Last evaluated: 2023-03-07. Review status: criteria provided, single submitter. Criteria: Invitae Variant Classification Sherloc (09022015). Collection method: clinical testing. Allele origin: germline.

Illumina Laboratory Services, Illumina
Classification: Benign for Pulmonary hypertension, primary, 1. Last evaluated: 2018-01-13. Review status: criteria provided, single submitter. Criteria: ICSL Variant Classification Criteria 13 December 2019. Collection method: clinical testing. Allele origin: germline.
Comment: This variant was observed in the ICSL laboratory as part of a predisposition screen in an ostensibly healthy population. It had not been previously curated by ICSL or reported in the Human Gene Mutation Database (HGMD: prior to June 1st, 2018), and was therefore a candidate for classification through an automated scoring system. Utilizing variant allele frequency, disease prevalence and penetrance estimates, and inheritance mode, an automated score was calculated to assess if this variant is too frequent to cause the disease. Based on the score and internal cut-off values, a variant classified as benign is not then subjected to further curation. The score for this variant resulted in a classification of benign for this disease.

NM_001204.7(BMPR2):c.81G>A (p.Ser27=)

Gene: BMPR2 (bone morphogenetic protein receptor type 2; plus strand). Cytogenetic location: 2q33.1.
Variant type: single nucleotide variant.
Coding change: c.81G>A on transcript NM_001204.7 (MANE Select); coding-DNA position 81, G replaced by A.
Protein change: p.Ser27=; no amino-acid change (serine 27 retained).
Molecular consequence: synonymous variant.
Genome position (GRCh38, 1-based): chr2:202,464,813, G>A. VCF-style: chr2-202464813-G-A. GRCh37 (hg19) VCF-style: chr2-203329536-G-A.
Identifiers: ClinVar variation 895426 (VCV000895426.8), dbSNP rs147207234, ClinGen allele CA2061032.